The following is an entry in ClinVar:

NM_021098.3(CACNA1H):c.4097T>G (p.Leu1366Arg)

Gene: CACNA1H (calcium voltage-gated channel subunit alpha1 H; plus strand). Cytogenetic location: 16p13.3.
Variant type: single nucleotide variant.
Coding change: c.4097T>G on transcript NM_021098.3 (MANE Select); coding-DNA position 4097, T replaced by G.
Protein change: p.Leu1366Arg; replaces leucine 1366 with arginine.
Molecular consequence: missense variant.
Genome position (GRCh38, 1-based): chr16:1,210,845, T>G. VCF-style: chr16-1210845-T-G. GRCh37 (hg19) VCF-style: chr16-1260845-T-G.
Other names: c.4097T>G, p.Leu1366Arg (NM_001005407.2); short protein forms L1366R.
Identifiers: ClinVar variation 4986752 (VCV004986752.1).

ClinVar aggregate classification (germline): Uncertain significance (1 of 4 stars; one submission).

Conditions:
CACNA1H-related disorder.

Submission:

PreventionGenetics, part of Exact Sciences
Classification: Uncertain significance for CACNA1H-related condition. Last evaluated: 2026-04-27. Review status: criteria provided, single submitter. Criteria: ACMG Guidelines, 2015. Collection method: clinical testing. Allele origin: germline.
Comment: The CACNA1H c.4097T>G variant is predicted to result in the amino acid substitution p.Leu1366Arg. To our knowledge, this variant has not been reported in the literature or in a large population database (gnomAD), indicating this variant is rare. At this time, the clinical significance of this variant is uncertain due to the absence of conclusive functional and genetic evidence.